The following is an entry in ClinVar:

ClinVar aggregate classification (germline): Uncertain significance (1 of 4 stars; one submission).

Submission:

Labcorp Genetics (formerly Invitae), Labcorp
Classification: Uncertain significance. Last evaluated: 2025-02-22. Review status: criteria provided, single submitter. Criteria: Invitae Variant Classification Sherloc (09022015). Collection method: clinical testing. Allele origin: germline.
Comment: This sequence change replaces asparagine, which is neutral and polar, with aspartic acid, which is acidic and polar, at codon 2476 of the DCHS1 protein (p.Asn2476Asp). This variant is not present in population databases (gnomAD no frequency). This variant has not been reported in the literature in individuals affected with DCHS1-related conditions. Invitae Evidence Modeling of protein sequence and biophysical properties (such as structural, functional, and spatial information, amino acid conservation, physicochemical variation, residue mobility, and thermodynamic stability) indicates that this missense variant is not expected to disrupt DCHS1 protein function with a negative predictive value of 80%. In summary, the available evidence is currently insufficient to determine the role of this variant in disease. Therefore, it has been classified as a Variant of Uncertain Significance.

NM_003737.4(DCHS1):c.7426A>G (p.Asn2476Asp)

Gene: DCHS1 (dachsous cadherin-related 1; minus strand). Cytogenetic location: 11p15.4.
Variant type: single nucleotide variant.
Coding change: c.7426A>G on transcript NM_003737.4 (MANE Select); coding-DNA position 7426, A replaced by G.
Protein change: p.Asn2476Asp; replaces asparagine 2476 with aspartic acid.
Molecular consequence: missense variant.
Genome position (GRCh38, 1-based): chr11:6,624,250, T>C on the plus strand (A>G on the coding strand, the complement: DCHS1 is on the minus strand). VCF-style: chr11-6624250-T-C. GRCh37 (hg19) VCF-style: chr11-6645481-T-C.
Other names: short protein forms N2476D.
Identifiers: ClinVar variation 4741768 (VCV004741768.1).